The following is an entry in ClinVar:

NM_145038.5(DRC1):c.1226C>T (p.Ala409Val)

Gene: DRC1 (dynein regulatory complex subunit 1; plus strand). Cytogenetic location: 2p23.3.
Variant type: single nucleotide variant.
Coding change: c.1226C>T on transcript NM_145038.5 (MANE Select); coding-DNA position 1226, C replaced by T.
Protein change: p.Ala409Val; replaces alanine 409 with valine.
Molecular consequence: missense variant.
Genome position (GRCh38, 1-based): chr2:26,444,778, C>T. VCF-style: chr2-26444778-C-T. GRCh37 (hg19) VCF-style: chr2-26667646-C-T.
Other names: short protein forms A409V.
Identifiers: ClinVar variation 1060815 (VCV001060815.6), dbSNP rs754270018, ClinGen allele CA1562172.

ClinVar aggregate classification (germline): Uncertain significance (1 of 4 stars; one submission).

Conditions:
Primary ciliary dyskinesia. Also called: Ciliary dyskinesia. Identifiers: Orphanet 244, MedGen C0008780, MONDO:0016575, HP:0012265.

Allele frequency attached by ClinVar (database versions not stated): gnomAD exomes 0.00002 and 0.00005; ExAC 0.00003; gnomAD 0.00004.
gnomAD v4.1: 28 of 1,614,032 alleles (0.0017%); highest among the groups gnomAD compares: Admixed American, 0.028%; no homozygotes.

Submission:

Labcorp Genetics (formerly Invitae), Labcorp
Classification: Uncertain significance for Primary ciliary dyskinesia. Last evaluated: 2022-05-19. Review status: criteria provided, single submitter. Criteria: Invitae Variant Classification Sherloc (09022015). Collection method: clinical testing. Allele origin: germline.
Comment: This sequence change replaces alanine, which is neutral and non-polar, with valine, which is neutral and non-polar, at codon 409 of the DRC1 protein (p.Ala409Val). This variant is present in population databases (rs754270018, gnomAD 0.03%). This variant has not been reported in the literature in individuals affected with DRC1-related conditions. ClinVar contains an entry for this variant (Variation ID: 1060815). Algorithms developed to predict the effect of missense changes on protein structure and function (SIFT, PolyPhen-2, Align-GVGD) all suggest that this variant is likely to be tolerated. Algorithms developed to predict the effect of sequence changes on RNA splicing suggest that this variant may create or strengthen a splice site. In summary, the available evidence is currently insufficient to determine the role of this variant in disease. Therefore, it has been classified as a Variant of Uncertain Significance.